The following is an entry in ClinVar:

NM_000431.4(MVK):c.1126G>A (p.Gly376Ser)

Gene: MVK (mevalonate kinase; plus strand). Cytogenetic location: 12q24.11.
Variant type: single nucleotide variant.
Coding change: c.1126G>A on transcript NM_000431.4 (MANE Select); coding-DNA position 1126, G replaced by A.
Protein change: p.Gly376Ser; replaces glycine 376 with serine.
Molecular consequence: missense variant.
Genome position (GRCh38, 1-based): chr12:109,596,512, G>A. VCF-style: chr12-109596512-G-A. GRCh37 (hg19) VCF-style: chr12-110034317-G-A.
Other names: c.1126G>A (NM_000431.2); c.1126G>A, p.Gly376Ser (NM_001114185.3); c.970G>A, p.Gly324Ser (NM_001301182.2); short protein forms G376S, G324S.
Identifiers: ClinVar variation 954760 (VCV000954760.10), dbSNP rs971159663, ClinGen allele CA243462647.

ClinVar aggregate classification (germline): Pathogenic/Likely pathogenic. Review status: criteria provided, multiple submitters, no conflicts (2 of 4 stars). 2 submissions from 2 submitters: Pathogenic (1); Likely pathogenic (1). Last evaluated 2024-05-21.

Conditions:
Mevalonic aciduria (MEVA). Identifiers: Orphanet 29, MedGen C1959626, MONDO:0012481, OMIM 610377.
Hyperimmunoglobulin D with periodic fever (HIDS). Also called: Hyperimmunoglobulinemia D with periodic fever; HYPERIMMUNOGLOBULINEMIA D AND PERIODIC FEVER SYNDROME; Hyperimmunoglobulinemia D. Identifiers: Orphanet 343, MedGen C0398691, MONDO:0009849, OMIM 260920.
Porokeratosis 3, disseminated superficial actinic type (POROK3). Also called: POROKERATOSIS 3, MULTIPLE TYPES; POROKERATOSIS 3, MIBELLI TYPE; POROKERATOSIS, DISSEMINATED SUPERFICIAL ACTINIC, 1. Identifiers: MedGen C1867981, MONDO:0008293, OMIM 175900.

Allele frequency attached by ClinVar (database versions not stated): TOPMed below 0.00001; gnomAD 0.00001; gnomAD exomes 0.00001.
gnomAD v4.1: 3 of 1,612,994 alleles (0.00019%); highest among the groups gnomAD compares: Non-Finnish European, 0.00025%; no homozygotes.

Submissions (2):

GeneDx
Classification: Likely pathogenic. Last evaluated: 2024-05-21. Review status: criteria provided, single submitter. Criteria: GeneDx Variant Classification Process June 2021. Collection method: clinical testing. Allele origin: germline. Affected: yes.
Comment: Reported previously in patients with porokeratosis (PK) and disseminated superficial actinic porokeratosis (DSAP) (PMID: 26794421, 22983302, 35665211, 26202976); Reported previously in a patient with MVK deficiency who also harbored a second variant, phase unknown (PMID: 21708801); Published functional studies suggest that this variant makes the protein less stable than wildtype when expressed in vitro (PMID: 26794421); In silico analysis supports that this missense variant has a deleterious effect on protein structure/function; Not observed at significant frequency in large population cohorts (gnomAD); This variant is associated with the following publications: (PMID: 30148429, 24008101, 15536479, 31207227, 34751146, 29599418, 26794421, 22983302, 35665211, 34188266, 26202976, 33917151, 21708801)

Labcorp Genetics (formerly Invitae), Labcorp
Classification: Pathogenic for Mevalonic aciduria; Hyperimmunoglobulin D with periodic fever; Porokeratosis 3, disseminated superficial actinic type. Last evaluated: 2023-08-27. Review status: criteria provided, single submitter. Criteria: Invitae Variant Classification Sherloc (09022015). Collection method: clinical testing. Allele origin: germline.
Comment: This sequence change replaces glycine, which is neutral and non-polar, with serine, which is neutral and polar, at codon 376 of the MVK protein (p.Gly376Ser). This variant is not present in population databases (gnomAD no frequency). This missense change has been observed in individual(s) with mevalonate kinase deficiency and/or disseminated superficial actinic porokeratosis (PMID: 21708801, 22983302, 30148429). ClinVar contains an entry for this variant (Variation ID: 954760). Advanced modeling of protein sequence and biophysical properties (such as structural, functional, and spatial information, amino acid conservation, physicochemical variation, residue mobility, and thermodynamic stability) performed at Invitae indicates that this missense variant is expected to disrupt MVK protein function. This variant disrupts the p.Gly376 amino acid residue in MVK. Other variant(s) that disrupt this residue have been observed in individuals with MVK-related conditions (PMID: 15536479), which suggests that this may be a clinically significant amino acid residue. For these reasons, this variant has been classified as Pathogenic.

Literature cited by the submitters: PubMed 21708801 (cited by Labcorp Genetics (formerly Invitae), Labcorp); PubMed 22983302 (cited by Labcorp Genetics (formerly Invitae), Labcorp); PubMed 30148429 (cited by Labcorp Genetics (formerly Invitae), Labcorp); PubMed 15536479 (cited by Labcorp Genetics (formerly Invitae), Labcorp).